The following is an entry in ClinVar:

NM_001031725.6(DDX59):c.1753A>T (p.Lys585Ter)

Gene: DDX59 (DEAD-box helicase 59; minus strand). Cytogenetic location: 1q32.1.
Variant type: single nucleotide variant.
Coding change: c.1753A>T on transcript NM_001031725.6 (MANE Select); coding-DNA position 1753, A replaced by T.
Protein change: p.Lys585Ter; replaces lysine 585 with a stop codon.
Molecular consequence: nonsense. On other transcripts: intron variant (2).
Genome position (GRCh38, 1-based): chr1:200,644,361, T>A on the plus strand (A>T on the coding strand, the complement: DDX59 is on the minus strand). VCF-style: chr1-200644361-T-A. GRCh37 (hg19) VCF-style: chr1-200613489-T-A.
Other names: c.1411A>T, p.Lys471Ter (NM_001320182.1); c.1753A>T, p.Lys585Ter (NM_001349799.3, NM_001349800.3); c.1624A>T, p.Lys542Ter (NM_001349801.3); c.1501A>T, p.Lys501Ter (NM_001349803.3); c.1219A>T, p.Lys407Ter (NM_001349804.2); c.1597-3176A>T (NM_001349802.3); c.1597-3105A>T (NM_001320181.2); short protein forms K407*, K542*, K585*, K501*, K471*.
Identifiers: ClinVar variation 4770881 (VCV004770881.1).

ClinVar aggregate classification (germline): Uncertain significance (1 of 4 stars; one submission).

Submission:

Labcorp Genetics (formerly Invitae), Labcorp
Classification: Uncertain significance. Last evaluated: 2025-06-14. Review status: criteria provided, single submitter. Criteria: Invitae Variant Classification Sherloc (09022015). Collection method: clinical testing. Allele origin: germline.
Comment: This sequence change creates a premature translational stop signal (p.Lys585*) in the DDX59 gene. While this is not anticipated to result in nonsense mediated decay, it is expected to disrupt the last 35 amino acid(s) of the DDX59 protein. This variant is not present in population databases (gnomAD no frequency). This variant has not been reported in the literature in individuals affected with DDX59-related conditions. Experimental studies and prediction algorithms are not available or were not evaluated, and the functional significance of this variant is currently unknown. Algorithms developed to predict the effect of sequence changes on RNA splicing suggest that this variant may disrupt the consensus splice site. In summary, the available evidence is currently insufficient to determine the role of this variant in disease. Therefore, it has been classified as a Variant of Uncertain Significance.